The following is an entry in ClinVar:

ClinVar aggregate classification (germline): Uncertain significance (1 of 4 stars; one submission).

Conditions:
Congenital factor V deficiency. Also called: LABILE FACTOR DEFICIENCY; OWREN PARAHEMOPHILIA; PARAHEMOPHILIA; Hereditary factor V deficiency disease. Identifiers: Orphanet 326, MedGen C0015499, MONDO:0009210, OMIM 227400.

gnomAD v4.1: 12 of 1,599,492 alleles (0.00075%); highest among the groups gnomAD compares: Non-Finnish European, 0.00094%; no homozygotes.

Submission:

Labcorp Genetics (formerly Invitae), Labcorp
Classification: Uncertain significance for Congenital factor V deficiency. Last evaluated: 2025-12-03. Review status: criteria provided, single submitter. Criteria: Invitae Variant Classification Sherloc (09022015). Collection method: clinical testing. Allele origin: germline.
Comment: This sequence change replaces arginine, which is basic and polar, with lysine, which is basic and polar, at codon 922 of the F5 protein (p.Arg922Lys). This variant is not present in population databases (gnomAD no frequency). This variant has not been reported in the literature in individuals affected with F5-related conditions. Invitae Evidence Modeling of protein sequence and biophysical properties (such as structural, functional, and spatial information, amino acid conservation, physicochemical variation, residue mobility, and thermodynamic stability) indicates that this missense variant is not expected to disrupt F5 protein function with a negative predictive value of 80%. In summary, the available evidence is currently insufficient to determine the role of this variant in disease. Therefore, it has been classified as a Variant of Uncertain Significance.

NM_000130.5(F5):c.2765G>A (p.Arg922Lys)

Gene: F5 (coagulation factor V; minus strand). Cytogenetic location: 1q24.2.
Variant type: single nucleotide variant.
Coding change: c.2765G>A on transcript NM_000130.5 (MANE Select); coding-DNA position 2765, G replaced by A.
Protein change: p.Arg922Lys; replaces arginine 922 with lysine.
Molecular consequence: missense variant.
Genome position (GRCh38, 1-based): chr1:169,542,325, C>T on the plus strand (G>A on the coding strand, the complement: F5 is on the minus strand). VCF-style: chr1-169542325-C-T. GRCh37 (hg19) VCF-style: chr1-169511563-C-T.
Other names: short protein forms R922K.
Identifiers: ClinVar variation 4749469 (VCV004749469.1).